The following is an entry in ClinVar:

NM_152743.4(BRAT1):c.1661T>G (p.Leu554Arg)

Gene: BRAT1 (BRCA1 associated ATM activator 1; minus strand). Cytogenetic location: 7p22.3.
Variant type: single nucleotide variant.
Coding change: c.1661T>G on transcript NM_152743.4 (MANE Select); coding-DNA position 1661, T replaced by G.
Protein change: p.Leu554Arg; replaces leucine 554 with arginine.
Molecular consequence: missense variant. On other transcripts: non-coding transcript variant (1).
Genome position (GRCh38, 1-based): chr7:2,539,288, A>C on the plus strand (T>G on the coding strand, the complement: BRAT1 is on the minus strand). VCF-style: chr7-2539288-A-C. GRCh37 (hg19) VCF-style: chr7-2578922-A-C.
Other names: c.1661T>G, p.Leu554Arg (NM_001350626.2); c.1136T>G, p.Leu379Arg (NM_001350627.2); short protein forms L379R, L554R.
Identifiers: ClinVar variation 1993227 (VCV001993227.4), dbSNP rs2534305016, ClinGen allele CA366627304.

ClinVar aggregate classification (germline): Uncertain significance (1 of 4 stars; one submission).

Conditions:
Neonatal-onset encephalopathy with rigidity and seizures. Also called: Lethal neonatal spasticity-epileptic encephalopathy syndrome. Identifiers: Orphanet 435845, MedGen C3281029, MONDO:0013784, OMIM 614498.

Allele frequency attached by ClinVar (database versions not stated): gnomAD exomes below 0.00001.
gnomAD v4.1: 3 of 1,611,966 alleles (0.00019%); highest among the groups gnomAD compares: Non-Finnish European, 0.00025%; no homozygotes.

Submission:

Labcorp Genetics (formerly Invitae), Labcorp
Classification: Uncertain significance for Neonatal-onset encephalopathy with rigidity and seizures. Last evaluated: 2024-10-30. Review status: criteria provided, single submitter. Criteria: Invitae Variant Classification Sherloc (09022015). Collection method: clinical testing. Allele origin: germline.
Comment: This sequence change replaces leucine, which is neutral and non-polar, with arginine, which is basic and polar, at codon 554 of the BRAT1 protein (p.Leu554Arg). This variant is not present in population databases (gnomAD no frequency). This variant has not been reported in the literature in individuals affected with BRAT1-related conditions. ClinVar contains an entry for this variant (Variation ID: 1993227). Invitae Evidence Modeling of protein sequence and biophysical properties (such as structural, functional, and spatial information, amino acid conservation, physicochemical variation, residue mobility, and thermodynamic stability) has been performed for this missense variant. However, the output from this modeling did not meet the statistical confidence thresholds required to predict the impact of this variant on BRAT1 protein function. In summary, the available evidence is currently insufficient to determine the role of this variant in disease. Therefore, it has been classified as a Variant of Uncertain Significance.